The following is an entry in ClinVar:

NM_000297.4(PKD2):c.2649del (p.Arg883fs)

Gene: PKD2 (polycystin 2, transient receptor potential cation channel; plus strand). Cytogenetic location: 4q22.1.
Variant type: Deletion.
Coding change: c.2649del on transcript NM_000297.4 (MANE Select); coding-DNA position 2649, one base deleted (G; older notation c.2649delG).
Protein change: p.Arg883fs; shifts the reading frame from arginine 883.
Molecular consequence: frameshift variant. On other transcripts: non-coding transcript variant (1).
Genome position (GRCh38, 1-based): chr4:88,074,938, G deleted; the last of 2 consecutive G bases (chr4:88,074,937-88,074,938); deleting either gives the same sequence. VCF-style (leftmost placement, unchanged base first): chr4-88074936-AG-A. GRCh37 (hg19) VCF-style: chr4-88996088-AG-A.
Other names: short protein forms R883fs.
Identifiers: ClinVar variation 2812671 (VCV002812671.3), dbSNP rs2476009603, ClinGen allele CA2739270157.

ClinVar aggregate classification (germline): Likely pathogenic (1 of 4 stars; one submission).

Conditions:
Autosomal dominant polycystic kidney disease. Identifiers: Orphanet 730, MedGen C0085413, MONDO:0004691.

Submission:

Labcorp Genetics (formerly Invitae), Labcorp
Classification: Likely pathogenic for Autosomal dominant polycystic kidney disease. Last evaluated: 2022-11-07. Review status: criteria provided, single submitter. Criteria: Invitae Variant Classification Sherloc (09022015). Collection method: clinical testing. Allele origin: germline.
Comment: This sequence change creates a premature translational stop signal (p.Arg883Serfs*26) in the PKD2 gene. While this is not anticipated to result in nonsense mediated decay, it is expected to disrupt the last 86 amino acid(s) of the PKD2 protein. This variant is not present in population databases (gnomAD no frequency). This variant has not been reported in the literature in individuals affected with PKD2-related conditions. This variant disrupts the C-terminus of the PKD2 protein. Other variant(s) that disrupt this region (p.Ser949Asnfs*49, p.Ser949Profs*50, p.Ser944Profs*55) have been observed in individuals with PKD2-related conditions (PMID: 22508176, 27499327, 30989420). This suggests that this may be a clinically significant region of the protein. In summary, the currently available evidence indicates that the variant is pathogenic, but additional data are needed to prove that conclusively. Therefore, this variant has been classified as Likely Pathogenic.

Literature cited by the submitters: PubMed 22508176; PubMed 27499327; PubMed 30989420.